The following is an entry in ClinVar:

NM_148919.4(PSMB8):c.733G>A (p.Val245Ile)

Gene: PSMB8 (proteasome 20S subunit beta 8; minus strand). Cytogenetic location: 6p21.32.
Variant type: single nucleotide variant.
Coding change: c.733G>A on transcript NM_148919.4 (MANE Select); coding-DNA position 733, G replaced by A.
Protein change: p.Val245Ile; replaces valine 245 with isoleucine.
Molecular consequence: missense variant.
Genome position (GRCh38, 1-based): chr6:32,841,540, C>T on the plus strand (G>A on the coding strand, the complement: PSMB8 is on the minus strand). VCF-style: chr6-32841540-C-T. GRCh37 (hg19) VCF-style: chr6-32809317-C-T.
Other names: c.721G>A, p.Val241Ile (NM_004159.5); short protein forms V245I, V241I.
Identifiers: ClinVar variation 954224 (VCV000954224.9), dbSNP rs746897143, ClinGen allele CA3746305.
Genomic context (GRCh38, chr6:32,841,540, plus strand): 5'-ACCACCCGCCGACTCCTCCCAGGCATGGTGGTGGGAGCATTGGTCTCTTACTATTGACAA[C>T]GCCTCCAGAATAGCTGTCTCTGTGAGTGGCATAAGCAATAGCCCTGCGGCCAAGGTCATA-3'
Protein context (NP_683720.2, residues 235-255): ATHRDSYSGG[Val245Ile]VNMYHMKEDG

ClinVar aggregate classification (germline): Uncertain significance. Review status: criteria provided, multiple submitters, no conflicts (2 of 4 stars). 3 submissions from 3 submitters: Uncertain significance (3). Last evaluated 2024-01-22.

Conditions:
Inborn genetic diseases. Identifiers: MedGen C0950123, MeSH D030342.
Proteasome-associated autoinflammatory syndrome 1 (PRAAS1). Also called: Nakajo syndrome; JOINT CONTRACTURES, MUSCULAR ATROPHY, MICROCYTIC ANEMIA, AND PANNICULITIS-INDUCED LIPODYSTROPHY; JMP SYNDROME; AUTOINFLAMMATION, LIPODYSTROPHY, AND DERMATOSIS SYNDROME; NAKAJO-NISHIMURA SYNDROME; CHRONIC ATYPICAL NEUTROPHILIC DERMATOSIS WITH LIPODYSTROPHY AND ELEVATED TEMPERATURE SYNDROME. Identifiers: Orphanet 2615, Orphanet 324977, Orphanet 324999, Orphanet 325004, MedGen C4746851, MONDO:0054698, OMIM 256040.
Autoinflammatory syndrome. Identifiers: Orphanet 93665, MedGen C3890737, MONDO:0019751.

Allele frequency attached by ClinVar (database versions not stated): ExAC 0.00003; gnomAD exomes 0.00002; TOPMed 0.00002.
gnomAD v4.1: 30 of 1,612,162 alleles (0.0019%); highest among the groups gnomAD compares: East Asian, 0.0045%; no homozygotes.

Submissions (3):

Ambry Genetics
Classification: Uncertain significance for Inborn genetic diseases. Last evaluated: 2024-01-22. Review status: criteria provided, single submitter. Criteria: Ambry Variant Classification Scheme 2023. Collection method: clinical testing. Allele origin: germline.

Labcorp Genetics (formerly Invitae), Labcorp
Classification: Uncertain significance for Proteosome-associated autoinflammatory syndrome. Last evaluated: 2022-09-26. Review status: criteria provided, single submitter. Criteria: Invitae Variant Classification Sherloc (09022015). Collection method: clinical testing. Allele origin: germline.
Comment: This sequence change replaces valine, which is neutral and non-polar, with isoleucine, which is neutral and non-polar, at codon 245 of the PSMB8 protein (p.Val245Ile). This variant is present in population databases (rs746897143, gnomAD 0.01%). This variant has not been reported in the literature in individuals affected with PSMB8-related conditions. ClinVar contains an entry for this variant (Variation ID: 954224). Advanced modeling of protein sequence and biophysical properties (such as structural, functional, and spatial information, amino acid conservation, physicochemical variation, residue mobility, and thermodynamic stability) performed at Invitae indicates that this missense variant is not expected to disrupt PSMB8 protein function. In summary, the available evidence is currently insufficient to determine the role of this variant in disease. Therefore, it has been classified as a Variant of Uncertain Significance.

Genome Diagnostics Laboratory, The Hospital for Sick Children
Classification: Uncertain significance for Autoinflammatory syndrome. Last evaluated: 2022-04-14. Review status: criteria provided, single submitter. Criteria: ACMG Guidelines, 2015. Collection method: clinical testing. Allele origin: germline. Affected: yes.